The following is an entry in ClinVar:

ClinVar aggregate classification (germline): Uncertain significance (1 of 4 stars; one submission).

Conditions:
Severe combined immunodeficiency due to DNA-PKcs deficiency. Also called: Immunodeficiency 26 with or without neurologic abnormalities; IMMUNODEFICIENCY 26 WITH NEUROLOGIC ABNORMALITIES. Identifiers: Orphanet 317425, MedGen C4014833, MONDO:0014423, OMIM 615966.

Allele frequency attached by ClinVar (database versions not stated): gnomAD exomes below 0.00001; TOPMed below 0.00001; ExAC 0.00001; gnomAD 0.00001; 1000 Genomes Project 30x 0.00016; 1000 Genomes Project 0.00020.
gnomAD v4.1: 4 of 1,577,464 alleles (0.00025%); highest among the groups gnomAD compares: East Asian, 0.0023%; no homozygotes.

Submission:

Labcorp Genetics (formerly Invitae), Labcorp
Classification: Uncertain significance for Severe combined immunodeficiency due to DNA-PKcs deficiency. Last evaluated: 2023-06-19. Review status: criteria provided, single submitter. Criteria: Invitae Variant Classification Sherloc (09022015). Collection method: clinical testing. Allele origin: germline.
Comment: ClinVar contains an entry for this variant (Variation ID: 946423). In summary, the available evidence is currently insufficient to determine the role of this variant in disease. Therefore, it has been classified as a Variant of Uncertain Significance. Advanced modeling of protein sequence and biophysical properties (such as structural, functional, and spatial information, amino acid conservation, physicochemical variation, residue mobility, and thermodynamic stability) performed at Invitae indicates that this missense variant is not expected to disrupt PRKDC protein function. This variant has not been reported in the literature in individuals affected with PRKDC-related conditions. This variant is present in population databases (rs376185837, gnomAD 0.006%). This sequence change replaces glutamine, which is neutral and polar, with leucine, which is neutral and non-polar, at codon 2807 of the PRKDC protein (p.Gln2807Leu).

NM_006904.7(PRKDC):c.8420A>T (p.Gln2807Leu)

Gene: PRKDC (protein kinase, DNA-activated, catalytic subunit; minus strand). Cytogenetic location: 8q11.21.
Variant type: single nucleotide variant.
Coding change: c.8420A>T on transcript NM_006904.7 (MANE Select); coding-DNA position 8420, A replaced by T.
Protein change: p.Gln2807Leu; replaces glutamine 2807 with leucine.
Molecular consequence: missense variant.
Genome position (GRCh38, 1-based): chr8:47,828,325, T>A on the plus strand (A>T on the coding strand, the complement: PRKDC is on the minus strand). VCF-style: chr8-47828325-T-A. GRCh37 (hg19) VCF-style: chr8-48740886-T-A.
Other names: c.8420A>T, p.Gln2807Leu (NM_001081640.2); short protein forms Q2807L.
Identifiers: ClinVar variation 946423 (VCV000946423.7), dbSNP rs376185837, ClinGen allele CA4739819.